The following is an entry in ClinVar:

NM_001903.5(CTNNA1):c.2388C>T (p.Val796=)

Gene: CTNNA1 (catenin alpha 1; plus strand). Cytogenetic location: 5q31.2.
Variant type: single nucleotide variant.
Coding change: c.2388C>T on transcript NM_001903.5 (MANE Select); coding-DNA position 2388, C replaced by T.
Protein change: p.Val796=; no amino-acid change (valine 796 retained).
Molecular consequence: synonymous variant. On other transcripts: intron variant (1).
Genome position (GRCh38, 1-based): chr5:138,932,667, C>T. VCF-style: chr5-138932667-C-T. GRCh37 (hg19) VCF-style: chr5-138268356-C-T.
Other names: c.2388C>T, p.Val796= (NM_001290307.3, NM_001323982.2, NM_001323983.1 and 2 more transcripts); c.2079C>T, p.Val693= (NM_001290309.3); c.2019C>T, p.Val673= (NM_001290310.3); c.1278C>T, p.Val426= (NM_001324004.1, NM_001324005.1, NM_001323997.1 and 16 more transcripts); c.939C>T, p.Val313= (NM_001324006.1, NM_001324007.1, NM_001324008.1 and 2 more transcripts); c.1185C>T, p.Val395= (NM_001324011.1); c.1035C>T, p.Val345= (NM_001324012.1, NM_001324013.1); c.1189-1135C>T (NM_001324001.1); and 1 more.
Identifiers: ClinVar variation 3773188 (VCV003773188.1).

ClinVar aggregate classification (germline): Benign (1 of 4 stars; one submission).

Conditions:
Hereditary diffuse gastric adenocarcinoma (HDGC). Also called: DIFFUSE GASTRIC AND LOBULAR BREAST CANCER SYNDROME. Identifiers: Orphanet 26106, MedGen C1708349, MONDO:0007648, OMIM 137215.

Submission:

Myriad Genetics, Inc.
Classification: Benign for Hereditary diffuse gastric adenocarcinoma. Last evaluated: 2024-10-15. Review status: criteria provided, single submitter. Criteria: Myriad Autosomal Dominant, Autosomal Recessive and X-Linked Classification Criteria (2023). Collection method: clinical testing. Allele origin: unknown.
Comment: This variant is considered benign. This variant is a silent/synonymous amino acid change and it is not expected to impact splicing.